The following is an entry in ClinVar:

NM_001792.5(CDH2):c.2443C>T (p.His815Tyr)

Genes: CDH2 (cadherin 2; minus strand), CDH2-AS1 (CDH2 antisense RNA 1; plus strand). Cytogenetic location: 18q12.1.
Variant type: single nucleotide variant.
Coding change: c.2443C>T on transcript NM_001792.5 (MANE Select); coding-DNA position 2443, C replaced by T.
Protein change: p.His815Tyr; replaces histidine 815 with tyrosine.
Molecular consequence: missense variant.
Genome position (GRCh38, 1-based): chr18:27,963,428, G>A on the plus strand (C>T on the coding strand, the complement: CDH2 is on the minus strand). VCF-style: chr18-27963428-G-A. GRCh37 (hg19) VCF-style: chr18-25543392-G-A.
Other names: c.2350C>T, p.His784Tyr (NM_001308176.2); short protein forms H784Y, H815Y.
Identifiers: ClinVar variation 3371309 (VCV003371309.1).

ClinVar aggregate classification (germline): Uncertain significance (1 of 4 stars; one submission).

Submission:

GeneDx
Classification: Uncertain significance. Last evaluated: 2024-04-04. Review status: criteria provided, single submitter. Criteria: GeneDx Variant Classification Process June 2021. Collection method: clinical testing. Allele origin: germline. Affected: yes.
Comment: Not observed at significant frequency in large population cohorts (gnomAD); In silico analysis indicates that this missense variant does not alter protein structure/function; Has not been previously published as pathogenic or benign to our knowledge